The following is an entry in ClinVar:

ClinVar aggregate classification (germline): Likely pathogenic (1 of 4 stars; one submission).

Submission:

Labcorp Genetics (formerly Invitae), Labcorp
Classification: Likely pathogenic. Last evaluated: 2025-10-01. Review status: criteria provided, single submitter. Criteria: Invitae Variant Classification Sherloc (09022015). Collection method: clinical testing. Allele origin: germline.
Comment: This sequence change replaces glutamic acid, which is acidic and polar, with alanine, which is neutral and non-polar, at codon 146 of the ALPL protein (p.Glu146Ala). This variant is not present in population databases (gnomAD no frequency). This variant has not been reported in the literature in individuals affected with ALPL-related conditions. Invitae Evidence Modeling of protein sequence and biophysical properties (such as structural, functional, and spatial information, amino acid conservation, physicochemical variation, residue mobility, and thermodynamic stability) indicates that this missense variant is expected to disrupt ALPL protein function with a positive predictive value of 95%. This variant disrupts the p.Glu146 amino acid residue in ALPL. Other variant(s) that disrupt this residue have been determined to be pathogenic (PMID: 21956185, 26432670, 28127875, 28401263; internal data). This suggests that this residue is clinically significant, and that variants that disrupt this residue are likely to be disease-causing. In summary, the currently available evidence indicates that the variant is pathogenic, but additional data are needed to prove that conclusively. Therefore, this variant has been classified as Likely Pathogenic.

Literature cited by the submitters: PubMed 21956185; PubMed 26432670; PubMed 28127875; PubMed 28401263.

NM_000478.6(ALPL):c.437A>C (p.Glu146Ala)

Gene: ALPL (alkaline phosphatase, biomineralization associated; plus strand). Cytogenetic location: 1p36.12.
Variant type: single nucleotide variant.
Coding change: c.437A>C on transcript NM_000478.6 (MANE Select); coding-DNA position 437, A replaced by C.
Protein change: p.Glu146Ala; replaces glutamic acid 146 with alanine.
Molecular consequence: missense variant.
Genome position (GRCh38, 1-based): chr1:21,563,249, A>C. VCF-style: chr1-21563249-A-C. GRCh37 (hg19) VCF-style: chr1-21889742-A-C.
Other names: c.272A>C, p.Glu91Ala (NM_001127501.4); c.206A>C, p.Glu69Ala (NM_001177520.3); c.437A>C, p.Glu146Ala (NM_001369803.2, NM_001369804.2, NM_001369805.2); short protein forms E146A, E69A, E91A.
Identifiers: ClinVar variation 4799863 (VCV004799863.1).